The following is an entry in ClinVar:

ClinVar aggregate classification (germline): Uncertain significance. Review status: criteria provided, multiple submitters, no conflicts (2 of 4 stars). 2 submissions from 2 submitters: Uncertain significance (2). Last evaluated 2022-08-21.

Allele frequency attached by ClinVar (database versions not stated): gnomAD 0.00004 and 0.00005; TOPMed 0.00006; gnomAD exomes 0.00009 and 0.00021; ExAC 0.00023.
gnomAD v4.1: 146 of 1,612,244 alleles (0.0091%); highest among the groups gnomAD compares: Middle Eastern, 0.083%; no homozygotes.

Submissions (2):

Labcorp Genetics (formerly Invitae), Labcorp
Classification: Uncertain significance. Last evaluated: 2022-08-21. Review status: criteria provided, single submitter. Criteria: Invitae Variant Classification Sherloc (09022015). Collection method: clinical testing. Allele origin: germline.
Comment: This sequence change replaces leucine, which is neutral and non-polar, with proline, which is neutral and non-polar, at codon 4260 of the PCLO protein (p.Leu4260Pro). This variant is present in population databases (rs202008590, gnomAD 0.1%). This variant has not been reported in the literature in individuals affected with PCLO-related conditions. ClinVar contains an entry for this variant (Variation ID: 810112). Algorithms developed to predict the effect of missense changes on protein structure and function are either unavailable or do not agree on the potential impact of this missense change (SIFT: "Deleterious"; PolyPhen-2: "Not Available"; Align-GVGD: "Class C0"). In summary, the available evidence is currently insufficient to determine the role of this variant in disease. Therefore, it has been classified as a Variant of Uncertain Significance.

CeGaT Center for Human Genetics Tuebingen
Classification: Uncertain significance. Last evaluated: 2018-01-01. Review status: criteria provided, single submitter. Criteria: CeGaT Center For Human Genetics Tuebingen Variant Classification Criteria Version 2. Collection method: clinical testing. Allele origin: germline. Affected: yes. Observed: 1 variant allele.

NM_033026.6(PCLO):c.12779T>C (p.Leu4260Pro)

Gene: PCLO (piccolo presynaptic cytomatrix protein; minus strand). Cytogenetic location: 7q21.11.
Variant type: single nucleotide variant.
Coding change: c.12779T>C on transcript NM_033026.6 (MANE Select); coding-DNA position 12779, T replaced by C.
Protein change: p.Leu4260Pro; replaces leucine 4260 with proline.
Molecular consequence: missense variant.
Genome position (GRCh38, 1-based): chr7:82,915,207, A>G on the plus strand (T>C on the coding strand, the complement: PCLO is on the minus strand). VCF-style: chr7-82915207-A-G. GRCh37 (hg19) VCF-style: chr7-82544523-A-G.
Other names: c.12779T>C, p.Leu4260Pro (NM_014510.3); short protein forms L4260P.
Identifiers: ClinVar variation 810112 (VCV000810112.44), dbSNP rs202008590, ClinGen allele CA4319312.